The following is an entry in ClinVar:

NM_000342.4(SLC4A1):c.*335G>A

Gene: SLC4A1 (solute carrier family 4 member 1 (Diego blood group); minus strand). Cytogenetic location: 17q21.31.
Variant type: single nucleotide variant.
Coding change: c.*335G>A on transcript NM_000342.4 (MANE Select); 335 bases downstream of the stop codon, G replaced by A.
Molecular consequence: 3 prime UTR variant.
Genome position (GRCh38, 1-based): chr17:44,250,123, C>T on the plus strand (G>A on the coding strand, the complement: SLC4A1 is on the minus strand). VCF-style: chr17-44250123-C-T. GRCh37 (hg19) VCF-style: chr17-42327491-C-T.
Identifiers: ClinVar variation 323497 (VCV000323497.6), dbSNP rs13306777, ClinGen allele CA10649386.

ClinVar aggregate classification (germline): Benign. Review status: criteria provided, multiple submitters, no conflicts (2 of 4 stars). 4 submissions from 2 submitters: Benign (4). Last evaluated 2018-01-13.

Conditions:
Hereditary spherocytosis type 4. Also called: SLC4A1-Related Spherocytosis. Identifiers: Orphanet 822, MedGen C2675212, MONDO:0012981, OMIM 612653.
Autosomal dominant distal renal tubular acidosis (DRTA1). Also called: RTA, CLASSIC TYPE; RTA, DISTAL TYPE, AUTOSOMAL DOMINANT; RTA, GRADIENT TYPE; Renal Tubular Acidosis, Type I; RENAL TUBULAR ACIDOSIS, DISTAL, 1. Identifiers: Orphanet 93608, MedGen CN280572, MONDO:0008368, OMIM 179800.
Hemolytic anemia. Identifiers: MedGen C0002878, MONDO:0003664, HP:0001878.

Allele frequency attached by ClinVar (database versions not stated): gnomAD exomes 0.00705; gnomAD 0.00773 and 0.00821; TOPMed 0.01610; 1000 Genomes Project 0.02077; 1000 Genomes Project 30x 0.02108.

Submissions (4):

Illumina Laboratory Services, Illumina
Classification: Benign for Autosomal dominant distal renal tubular acidosis. Last evaluated: 2018-01-13. Review status: criteria provided, single submitter. Criteria: ICSL Variant Classification Criteria 13 December 2019. Collection method: clinical testing. Allele origin: germline.
Comment: This variant was observed in the ICSL laboratory as part of a predisposition screen in an ostensibly healthy population. It had not been previously curated by ICSL or reported in the Human Gene Mutation Database (HGMD: prior to June 1st, 2018), and was therefore a candidate for classification through an automated scoring system. Utilizing variant allele frequency, disease prevalence and penetrance estimates, and inheritance mode, an automated score was calculated to assess if this variant is too frequent to cause the disease. Based on the score and internal cut-off values, a variant classified as benign is not then subjected to further curation. The score for this variant resulted in a classification of benign for this disease.

Illumina Laboratory Services, Illumina
Classification: Benign for Hereditary spherocytosis type 4. Last evaluated: 2018-01-13. Review status: criteria provided, single submitter. Criteria: ICSL Variant Classification Criteria 13 December 2019. Collection method: clinical testing. Allele origin: germline.
Comment: the same text as in the submission from Illumina Laboratory Services, Illumina above.

Illumina Laboratory Services, Illumina
Classification: Benign for Hemolytic anemia. Last evaluated: 2018-01-13. Review status: criteria provided, single submitter. Criteria: ICSL Variant Classification Criteria 13 December 2019. Collection method: clinical testing. Allele origin: germline.
Comment: the same text as in the submission from Illumina Laboratory Services, Illumina above.

Breakthrough Genomics
Classification: Benign. Review status: criteria provided, single submitter. Criteria: ACMG Guidelines, 2015. Collection method: not provided. Allele origin: germline. Inheritance: Autosomal recessive inheritance. Affected: yes.